The following is an entry in ClinVar:

ClinVar aggregate classification (germline): Uncertain significance (1 of 4 stars; one submission).

Conditions:
Hereditary cancer-predisposing syndrome. Also called: Hereditary neoplastic syndrome; Neoplastic Syndromes, Hereditary; Tumor predisposition; Hereditary Cancer Syndrome. Identifiers: Orphanet 140162, MedGen C0027672, MeSH D009386, MONDO:0015356.

Submission:

Ambry Genetics
Classification: Uncertain significance for Hereditary cancer-predisposing syndrome. Last evaluated: 2024-12-12. Review status: criteria provided, single submitter. Criteria: Ambry Variant Classification Scheme 2023. Collection method: clinical testing. Allele origin: germline.
Comment: The p.A1459T variant (also known as c.4375G>A), located in coding exon 29 of the ALK gene, results from a G to A substitution at nucleotide position 4375. The alanine at codon 1459 is replaced by threonine, an amino acid with similar properties. This amino acid position is conserved. In addition, this alteration is predicted to be tolerated by in silico analysis. Based on the available evidence, the clinical significance of this variant remains unclear.

NM_004304.5(ALK):c.4375G>A (p.Ala1459Thr)

Gene: ALK (ALK receptor tyrosine kinase; minus strand). Cytogenetic location: 2p23.2.
Variant type: single nucleotide variant.
Coding change: c.4375G>A on transcript NM_004304.5 (MANE Select); coding-DNA position 4375, G replaced by A.
Protein change: p.Ala1459Thr; replaces alanine 1459 with threonine.
Molecular consequence: missense variant.
Genome position (GRCh38, 1-based): chr2:29,193,712, C>T on the plus strand (G>A on the coding strand, the complement: ALK is on the minus strand). VCF-style: chr2-29193712-C-T. GRCh37 (hg19) VCF-style: chr2-29416578-C-T.
Other names: c.1171G>A, p.Ala391Thr (NM_001353765.2); short protein forms A391T, A1459T.
Identifiers: ClinVar variation 3854911 (VCV003854911.1).